The following is an entry in ClinVar:

ClinVar aggregate classification (germline): Uncertain significance (1 of 4 stars; one submission).

Allele frequency attached by ClinVar (database versions not stated): gnomAD exomes below 0.00001 and 0.00001; ExAC 0.00001; gnomAD 0.00001; TOPMed 0.00001.
gnomAD v4.1: 9 of 1,613,860 alleles (0.00056%); highest among the groups gnomAD compares: Non-Finnish European, 0.00068%; no homozygotes.

Submission:

Labcorp Genetics (formerly Invitae), Labcorp
Classification: Uncertain significance. Last evaluated: 2025-03-31. Review status: criteria provided, single submitter. Criteria: Invitae Variant Classification Sherloc (09022015). Collection method: clinical testing. Allele origin: germline.
Comment: This sequence change replaces isoleucine, which is neutral and non-polar, with methionine, which is neutral and non-polar, at codon 1745 of the ABCA4 protein (p.Ile1745Met). This variant is present in population databases (rs769668293, gnomAD 0.003%). This missense change has been observed in individual(s) with ABCA4-related conditions (PMID: 32307445, 35120629, 36460718). ClinVar contains an entry for this variant (Variation ID: 1507868). Invitae Evidence Modeling of protein sequence and biophysical properties (such as structural, functional, and spatial information, amino acid conservation, physicochemical variation, residue mobility, and thermodynamic stability) indicates that this missense variant is expected to disrupt ABCA4 protein function with a positive predictive value of 95%. In summary, the available evidence is currently insufficient to determine the role of this variant in disease. Therefore, it has been classified as a Variant of Uncertain Significance.

Literature cited by the submitters: PubMed 32307445; PubMed 35120629; PubMed 36460718.

NM_000350.3(ABCA4):c.5235C>G (p.Ile1745Met)

Gene: ABCA4 (ATP binding cassette subfamily A member 4; minus strand). Cytogenetic location: 1p22.1.
Variant type: single nucleotide variant.
Coding change: c.5235C>G on transcript NM_000350.3 (MANE Select); coding-DNA position 5235, C replaced by G.
Protein change: p.Ile1745Met; replaces isoleucine 1745 with methionine.
Molecular consequence: missense variant.
Genome position (GRCh38, 1-based): chr1:94,015,816, G>C on the plus strand (C>G on the coding strand, the complement: ABCA4 is on the minus strand). VCF-style: chr1-94015816-G-C. GRCh37 (hg19) VCF-style: chr1-94481372-G-C.
Other names: c.5013C>G, p.Ile1671Met (NM_001425324.1); short protein forms I1745M, I1671M.
Identifiers: ClinVar variation 1507868 (VCV001507868.6), dbSNP rs769668293, ClinGen allele CA957338.